The following is an entry in ClinVar:

ClinVar aggregate classification (germline): Uncertain significance (1 of 4 stars; one submission).

Conditions:
Hereditary cancer-predisposing syndrome. Also called: Neoplastic Syndromes, Hereditary; Tumor predisposition; Hereditary Cancer Syndrome; Hereditary neoplastic syndrome. Identifiers: Orphanet 140162, MedGen C0027672, MeSH D009386, MONDO:0015356.

Submission:

Ambry Genetics
Classification: Uncertain significance for Hereditary cancer-predisposing syndrome. Last evaluated: 2019-06-20. Review status: criteria provided, single submitter. Criteria: Ambry Variant Classification Scheme 2023. Collection method: clinical testing. Allele origin: germline.
Comment: The p.K621R variant (also known as c.1862A>G), located in coding exon 11 of the ATM gene, results from an A to G substitution at nucleotide position 1862. The lysine at codon 621 is replaced by arginine, an amino acid with highly similar properties. This amino acid position is not well conserved in available vertebrate species. In addition, this alteration is predicted to be tolerated by in silico analysis. Since supporting evidence is limited at this time, the clinical significance of this alteration remains unclear.

NM_000051.4(ATM):c.1862A>G (p.Lys621Arg)

Gene: ATM (ATM serine/threonine kinase; plus strand). Cytogenetic location: 11q22.3.
Variant type: single nucleotide variant.
Coding change: c.1862A>G on transcript NM_000051.4 (MANE Select); coding-DNA position 1862, A replaced by G.
Protein change: p.Lys621Arg; replaces lysine 621 with arginine.
Molecular consequence: missense variant.
Genome position (GRCh38, 1-based): chr11:108,252,876, A>G. VCF-style: chr11-108252876-A-G. GRCh37 (hg19) VCF-style: chr11-108123603-A-G.
Other names: c.1862A>G, p.Lys621Arg (NM_001351834.2); short protein forms K621R.
Identifiers: ClinVar variation 820207 (VCV000820207.4), dbSNP rs1591531052, ClinGen allele CA382535932.